The following is an entry in ClinVar:

Conditions:
Breast-ovarian cancer, familial, susceptibility to, 1 (BROVCA1). Also called: BRCA1 Hereditary Breast and Ovarian Cancer; OVARIAN CANCER, SUSCEPTIBILITY TO. Identifiers: Orphanet 145, MedGen C2676676, MONDO:0011450, OMIM 604370. Disease mechanism: loss of function.

Submission:

Brotman Baty Institute, University of Washington
No classification provided (evidence only). Condition: Breast-ovarian cancer, familial 1. Review status: no classification provided. Collection method: in vitro. Allele origin: not applicable. Functional consequence: functionally_normal.
ClinVar note: "not provided" was previously submitted as the classification for the variant. However, the classification appeared to be based only on an observation of functional data so it was converted to no classification on 2025-07-30.

NM_007294.4(BRCA1):c.4907A>C (p.Lys1636Thr)

Gene: BRCA1 (BRCA1 DNA repair associated; minus strand). Cytogenetic location: 17q21.31.
Variant type: single nucleotide variant.
Coding change: c.4907A>C on transcript NM_007294.4 (MANE Select); coding-DNA position 4907, A replaced by C.
Protein change: p.Lys1636Thr; replaces lysine 1636 with threonine.
Molecular consequence: missense variant. On other transcripts: non-coding transcript variant (1).
Genome position (GRCh38, 1-based): chr17:43,071,007, T>G on the plus strand (A>C on the coding strand, the complement: BRCA1 is on the minus strand). VCF-style: chr17-43071007-T-G. GRCh37 (hg19) VCF-style: chr17-41223024-T-G.
Other names: c.4526A>C, p.Lys1509Thr (NM_001407959.1); c.4523A>C, p.Lys1508Thr (NM_001407960.1, NM_001407962.1); c.4520A>C, p.Lys1507Thr (NM_001407963.1); c.4445A>C, p.Lys1482Thr (NM_001407964.1); c.4400A>C, p.Lys1467Thr (NM_001407965.1); c.4019A>C, p.Lys1340Thr (NM_001407966.1); c.4016A>C, p.Lys1339Thr (NM_001407967.1); c.1598A>C, p.Lys533Thr (NM_001407978.1, NM_001407973.1, NM_001407974.1 and 3 more transcripts); and 70 more; short protein forms K1589T, K1636T, K1657T, K532T, K1467T, K1508T, K1523T, K1525T.
Identifiers: ClinVar variation 865405 (VCV000865405.3), dbSNP rs2052382212, ClinGen allele CA10591710.